The following is an entry in ClinVar:

NM_007103.4(NDUFV1):c.900dup (p.Glu301Ter)

Gene: NDUFV1 (NADH:ubiquinone oxidoreductase core subunit V1; plus strand). Cytogenetic location: 11q13.2.
Variant type: Duplication.
Coding change: c.900dup on transcript NM_007103.4 (MANE Select); coding-DNA position 900, one base duplicated (T; older notation c.900dupT).
Protein change: p.Glu301Ter; replaces glutamic acid 301 with a stop codon.
Molecular consequence: nonsense.
Genome position (GRCh38, 1-based): chr11:67,611,194, T duplicated; the last of 2 consecutive T bases (chr11:67,611,193-67,611,194); duplicating either gives the same sequence. VCF-style (leftmost placement, unchanged base first): chr11-67611192-A-AT. GRCh37 (hg19) VCF-style: chr11-67378663-A-AT.
Other names: c.873dup, p.Glu292Ter (NM_001166102.2); short protein forms E292*, E301*.
Identifiers: ClinVar variation 2632561 (VCV002632561.1), dbSNP rs2495722896, ClinGen allele CA2614648935.

ClinVar aggregate classification (germline): Likely pathogenic (1 of 4 stars; one submission).

Conditions:
NDUFV1-related disorder. Also called: NDUFV1-related condition; NDUFV1-related disorders.

Submission:

PreventionGenetics, part of Exact Sciences
Classification: Likely pathogenic for NDUFV1-related condition. Last evaluated: 2023-06-06. Review status: criteria provided, single submitter. Criteria: ACMG Guidelines, 2015. Collection method: clinical testing. Allele origin: germline.
Comment: The NDUFV1 c.900dupT variant is predicted to result in premature protein termination (p.Glu301*). To our knowledge, this variant has not been reported in the literature or in a large population database, indicating this variant is rare. Nonsense variants in NDUFV1 are expected to be pathogenic. We interpret this variant as likely pathogenic.